The following is an entry in ClinVar:

ClinVar aggregate classification (germline): Uncertain significance (1 of 4 stars; one submission).

Conditions:
Catecholaminergic polymorphic ventricular tachycardia 1. Also called: VENTRICULAR TACHYCARDIA, CATECHOLAMINERGIC POLYMORPHIC, 1, WITH OR WITHOUT ATRIAL DYSFUNCTION AND/OR DILATED CARDIOMYOPATHY; RYR2-Related Catecholaminergic Polymorphic Ventricular Tachycardia; VENTRICULAR TACHYCARDIA, STRESS-INDUCED POLYMORPHIC 1. Identifiers: Orphanet 3286, MedGen C1631597, MONDO:0011484, OMIM 604772.

Submission:

Labcorp Genetics (formerly Invitae), Labcorp
Classification: Uncertain significance for Catecholaminergic polymorphic ventricular tachycardia 1. Last evaluated: 2025-06-24. Review status: criteria provided, single submitter. Criteria: Invitae Variant Classification Sherloc (09022015). Collection method: clinical testing. Allele origin: germline.
Comment: This sequence change creates a premature translational stop signal (p.Glu4182Lysfs*8) in the RYR2 gene. It is expected to result in an absent or disrupted protein product. However, the current clinical and genetic evidence is not sufficient to establish whether loss-of-function variants in RYR2 cause disease. This variant is not present in population databases (gnomAD no frequency). This variant has not been reported in the literature in individuals affected with RYR2-related conditions. In summary, the available evidence is currently insufficient to determine the role of this variant in disease. Therefore, it has been classified as a Variant of Uncertain Significance.

NM_001035.3(RYR2):c.12544_12547del (p.Glu4182fs)

Genes: RYR2 (ryanodine receptor 2; plus strand), LOC126806068 (BRD4-independent group 4 enhancer GRCh37_chr1:237947411-237948610; plus strand). Cytogenetic location: 1q43.
Variant type: Microsatellite.
Coding change: c.12544_12547del on transcript NM_001035.3 (MANE Select); coding-DNA positions 12544 to 12547, 4 bases deleted (GAGA; older notation c.12544_12547delGAGA).
Protein change: p.Glu4182fs; shifts the reading frame from glutamic acid 4182.
Molecular consequence: frameshift variant.
Genome position (GRCh38, 1-based): chr1:237,784,256-237,784,259, GAGA deleted; deleting any 4 consecutive bases within chr1:237,784,254-237,784,259 gives the same sequence; the c. name uses the placement nearest the transcript's 3' end. VCF-style (leftmost placement, unchanged base first): chr1-237784253-GGAGA-G. GRCh37 (hg19) VCF-style: chr1-237947553-GGAGA-G.
Other names: short protein forms E4182fs.
Identifiers: ClinVar variation 4754092 (VCV004754092.1).